The following is an entry in ClinVar:

ClinVar aggregate classification (germline): Conflicting classifications of pathogenicity. Review status: criteria provided, conflicting classifications (1 of 4 stars). 2 submissions from 2 submitters: Uncertain significance (1); Likely benign (1). Last evaluated 2026-10-01.

Conditions:
Bone marrow failure syndrome. Identifiers: MedGen C2931245, MONDO:0000159.

Allele frequency attached by ClinVar (database versions not stated): gnomAD 0.00004; ExAC 0.00002; gnomAD exomes 0.00004; TOPMed 0.00004.
gnomAD v4.1: 64 of 1,613,944 alleles (0.004%); highest among the groups gnomAD compares: Non-Finnish European, 0.0051%; no homozygotes.

Submissions (2):

St. Jude Molecular Pathology, St. Jude Children's Research Hospital
Classification: Uncertain significance for Bone marrow failure syndrome. Last evaluated: 2026-10-01. Review status: criteria provided, single submitter. Criteria: St. Jude Assertion Criteria 2020. Collection method: clinical testing. Allele origin: germline.
Comment: The OSM c.436C>T p.(Leu146Phe) missense change has a maximum subpopulation frequency of 0.0054% in gnomAD v2.1.1. The in silico tool REVEL predicts a benign effect o n protein function, but to our knowledge this prediction has not been confirmed by functional studies. To our knowledge, this variant has not been reported in individuals with OSM-related disease. In summary, the evidence currently available is insuffici ent to determine the clinical significance of this variant. It has therefore been classified as of uncertain significance.

Ambry Genetics
Classification: Likely benign. Last evaluated: 2023-03-20. Review status: criteria provided, single submitter. Criteria: Ambry Variant Classification Scheme 2023. Collection method: clinical testing. Allele origin: germline.

NM_020530.6(OSM):c.436C>T (p.Leu146Phe)

Gene: OSM (oncostatin M; minus strand). Cytogenetic location: 22q12.2.
Variant type: single nucleotide variant.
Coding change: c.436C>T on transcript NM_020530.6 (MANE Select); coding-DNA position 436, C replaced by T.
Protein change: p.Leu146Phe; replaces leucine 146 with phenylalanine.
Molecular consequence: missense variant.
Genome position (GRCh38, 1-based): chr22:30,264,206, G>A on the plus strand (C>T on the coding strand, the complement: OSM is on the minus strand). VCF-style: chr22-30264206-G-A. GRCh37 (hg19) VCF-style: chr22-30660195-G-A.
Other names: c.373C>T, p.Leu125Phe (NM_001319108.2); short protein forms L146F, L125F.
Identifiers: ClinVar variation 2523456 (VCV002523456.3), dbSNP rs201450820, ClinGen allele CA10178550.